The following is an entry in ClinVar:

ClinVar aggregate classification (germline): Uncertain significance. Review status: criteria provided, multiple submitters, no conflicts (2 of 4 stars). 3 submissions from 3 submitters: Uncertain significance (2). 1 of the submissions does not count toward it. Last evaluated 2025-04-06.

Conditions:
Glutaric aciduria, type 1. Also called: Glutaryl-CoA dehydrogenase deficiency; GA I; Glutaricaciduria, type I; Glutaric Acidemia Type 1; Glutaric acidemia type I; Glutaricacidemia Type 1. Identifiers: Orphanet 25, MedGen C0268595, MONDO:0009281, OMIM 231670.
Inborn genetic diseases. Identifiers: MedGen C0950123, MeSH D030342.

Allele frequency attached by ClinVar (database versions not stated): gnomAD exomes below 0.00001 and 0.00002; ExAC 0.00004; gnomAD 0.00007; ESP Exome Variant Server 0.00008; TOPMed 0.00009.

Submissions (3):

Ambry Genetics
Classification: Uncertain significance for Inborn genetic diseases. Last evaluated: 2025-04-06. Review status: criteria provided, single submitter. Criteria: Ambry Variant Classification Scheme 2023. Collection method: clinical testing. Allele origin: germline.

Labcorp Genetics (formerly Invitae), Labcorp
Classification: Uncertain significance for Glutaric aciduria, type 1. Last evaluated: 2024-09-16. Review status: criteria provided, single submitter. Criteria: Invitae Variant Classification Sherloc (09022015). Collection method: clinical testing. Allele origin: germline.
Comment: This sequence change replaces leucine, which is neutral and non-polar, with phenylalanine, which is neutral and non-polar, at codon 277 of the GCDH protein (p.Leu277Phe). This variant is present in population databases (rs371654188, gnomAD 0.03%). This variant has not been reported in the literature in individuals affected with GCDH-related conditions. ClinVar contains an entry for this variant (Variation ID: 459953). Invitae Evidence Modeling of protein sequence and biophysical properties (such as structural, functional, and spatial information, amino acid conservation, physicochemical variation, residue mobility, and thermodynamic stability) indicates that this missense variant is not expected to disrupt GCDH protein function with a negative predictive value of 80%. In summary, the available evidence is currently insufficient to determine the role of this variant in disease. Therefore, it has been classified as a Variant of Uncertain Significance.

Natera, Inc.
Classification: Uncertain significance for Glutaric acidemia type 1. Last evaluated: 2019-10-28. Review status: no assertion criteria provided. Collection method: clinical testing. Allele origin: germline. Not counted in ClinVar's aggregate classification.

NM_000159.4(GCDH):c.829C>T (p.Leu277Phe)

Gene: GCDH (glutaryl-CoA dehydrogenase; plus strand). Cytogenetic location: 19p13.13.
Variant type: single nucleotide variant.
Coding change: c.829C>T on transcript NM_000159.4 (MANE Select); coding-DNA position 829, C replaced by T.
Protein change: p.Leu277Phe; replaces leucine 277 with phenylalanine.
Molecular consequence: missense variant. On other transcripts: non-coding transcript variant (2).
Genome position (GRCh38, 1-based): chr19:12,896,398, C>T. VCF-style: chr19-12896398-C-T. GRCh37 (hg19) VCF-style: chr19-13007212-C-T.
Other names: c.829C>T, p.Leu277Phe (NM_013976.5); c.829C>T (NM_000159.2); short protein forms L277F.
Identifiers: ClinVar variation 459953 (VCV000459953.9), dbSNP rs371654188, ClinGen allele CA9234498.